The following is an entry in ClinVar:

ClinVar aggregate classification (germline): Conflicting classifications of pathogenicity. Review status: criteria provided, conflicting classifications (1 of 4 stars). 2 submissions from 2 submitters: Likely pathogenic (1); Uncertain significance (1). Last evaluated 2026-08-07.

Submissions (2):

GeneDx
Classification: Uncertain significance. Last evaluated: 2026-08-07. Review status: criteria provided, single submitter. Criteria: GeneDx Variant Classification Process June 2021. Collection method: clinical testing. Allele origin: germline.
Comment: Not observed at significant frequency in large population cohorts (gnomAD); In silico analysis suggests that this missense variant does not alter protein structure/function; Has not been previously published as pathogenic or benign to our knowledge

Labcorp Genetics (formerly Invitae), Labcorp
Classification: Likely pathogenic. Last evaluated: 2024-05-25. Review status: criteria provided, single submitter. Criteria: Invitae Variant Classification Sherloc (09022015). Collection method: clinical testing. Allele origin: germline.
Comment: This sequence change replaces alanine, which is neutral and non-polar, with threonine, which is neutral and polar, at codon 36 of the NOG protein (p.Ala36Thr). This variant is not present in population databases (gnomAD no frequency). This missense change has been observed in individual(s) with clinical features of NOG-related symphalangism spectrum disorder (Invitae). In at least one individual the variant was observed to be de novo. An algorithm developed to predict the effect of missense changes on protein structure and function (PolyPhen-2) suggests that this variant is likely to be tolerated. This variant disrupts the p.Ala36 amino acid residue in NOG. Other variant(s) that disrupt this residue have been observed in individuals with NOG-related conditions (PMID: 17668388; Invitae), which suggests that this may be a clinically significant amino acid residue. In summary, the currently available evidence indicates that the variant is pathogenic, but additional data are needed to prove that conclusively. Therefore, this variant has been classified as Likely Pathogenic.

Literature cited by the submitters: PubMed 17668388 (cited by Labcorp Genetics (formerly Invitae), Labcorp).

NM_005450.6(NOG):c.106G>A (p.Ala36Thr)

Gene: NOG (noggin; plus strand). Cytogenetic location: 17q22.
Variant type: single nucleotide variant.
Coding change: c.106G>A on transcript NM_005450.6 (MANE Select); coding-DNA position 106, G replaced by A.
Protein change: p.Ala36Thr; replaces alanine 36 with threonine.
Molecular consequence: missense variant.
Genome position (GRCh38, 1-based): chr17:56,594,329, G>A. VCF-style: chr17-56594329-G-A. GRCh37 (hg19) VCF-style: chr17-54671690-G-A.
Other names: c.106G>A (NM_005450.4); short protein forms A36T.
Identifiers: ClinVar variation 3644952 (VCV003644952.4).